The following is an entry in ClinVar:

ClinVar aggregate classification (germline): Likely benign. Review status: criteria provided, multiple submitters, no conflicts (2 of 4 stars). 5 submissions from 5 submitters: Likely benign (4). 1 of the submissions does not count toward it. Last evaluated 2024-06-18.

Conditions:
Becker muscular dystrophy (BMD). Also called: MUSCULAR DYSTROPHY, PSEUDOHYPERTROPHIC PROGRESSIVE, BECKER TYPE; Becker Muscular Dystrophy (BMD). Identifiers: Orphanet 98895, MedGen C0917713, MONDO:0010311, OMIM 300376.
Cardiomyopathy (CMYO). Also called: Cardiomyopathies. Identifiers: Orphanet 167848, MedGen C0878544, MONDO:0004994, HP:0001638. Inheritance: Various modes of inheritance.
Duchenne muscular dystrophy (DMD). Also called: MUSCULAR DYSTROPHY, PSEUDOHYPERTROPHIC PROGRESSIVE, DUCHENNE TYPE; Duchenne Muscular Dystrophy (DMD). Identifiers: Orphanet 98896, MedGen C0013264, MONDO:0010679, OMIM 310200.
Dystrophin deficiency.
Cardiovascular phenotype. Identifiers: MedGen CN230736.

Allele frequency attached by ClinVar (database versions not stated): gnomAD exomes below 0.00001 and 0.00002; ExAC 0.00001; TOPMed 0.00002; gnomAD 0.00005 and 0.00007.
gnomAD v4.1: 12 of 1,209,780 alleles (0.00099%); highest among the groups gnomAD compares: African/African-American, 0.018%; no homozygotes.

Submissions (5):

Labcorp Genetics (formerly Invitae), Labcorp
Classification: Likely benign for Duchenne muscular dystrophy. Last evaluated: 2024-06-18. Review status: criteria provided, single submitter. Criteria: Invitae Variant Classification Sherloc (09022015). Collection method: clinical testing. Allele origin: germline.

Ambry Genetics
Classification: Likely benign for Cardiovascular phenotype. Last evaluated: 2018-11-14. Review status: criteria provided, single submitter. Criteria: Ambry Variant Classification Scheme 2023. Collection method: clinical testing. Allele origin: germline.

GeneDx
Classification: Likely benign. Last evaluated: 2016-10-25. Review status: criteria provided, single submitter. Criteria: GeneDx Variant Classification (06012015). Collection method: clinical testing. Allele origin: germline. Affected: yes.
Comment: This variant is considered likely benign or benign based on one or more of the following criteria: it is a conservative change, it occurs at a poorly conserved position in the protein, it is predicted to be benign by multiple in silico algorithms, and/or has population frequency not consistent with disease.

Breakthrough Genomics
Classification: Likely benign. Review status: criteria provided, single submitter. Criteria: ACMG Guidelines, 2015. Collection method: not provided. Allele origin: germline. Inheritance: X-linked inheritance. Affected: yes.

Natera, Inc.
Classification: Likely benign for Becker muscular dystrophy; Cardiomyopathy; Duchenne muscular dystrophy; Dystrophin deficiency. Last evaluated: 2018-12-07. Review status: no assertion criteria provided. Collection method: clinical testing. Allele origin: germline. Not counted in ClinVar's aggregate classification.

NM_004006.3(DMD):c.8712A>G (p.Leu2904=)

Gene: DMD (dystrophin; minus strand). Cytogenetic location: Xp21.2.
Variant type: single nucleotide variant.
Coding change: c.8712A>G on transcript NM_004006.3 (MANE Select); coding-DNA position 8712, A replaced by G.
Protein change: p.Leu2904=; no amino-acid change (leucine 2904 retained).
Molecular consequence: synonymous variant.
Genome position (GRCh38, 1-based): chrX:31,478,331, T>C on the plus strand (A>G on the coding strand, the complement: DMD is on the minus strand). VCF-style: chrX-31478331-T-C. GRCh37 (hg19) VCF-style: chrX-31496448-T-C.
Other names: c.8688A>G, p.Leu2896= (NM_000109.4); c.8700A>G, p.Leu2900= (NM_004009.3); c.8343A>G, p.Leu2781= (NM_004010.3); c.4689A>G, p.Leu1563= (NM_004011.4); c.4680A>G, p.Leu1560= (NM_004012.4); c.1332A>G, p.Leu444= (NM_004013.3, NM_004020.4, NM_004021.3 and 2 more transcripts); c.525A>G, p.Leu175= (NM_004014.3).
Identifiers: ClinVar variation 390333 (VCV000390333.13), dbSNP rs764631900, ClinGen allele CA10377998.